The following is an entry in ClinVar:

ClinVar aggregate classification (germline): Benign (0 of 4 stars; one submission).

Conditions:
KCNAB2-related disorder. Also called: KCNAB2-related condition.

Allele frequency attached by ClinVar (database versions not stated): ExAC 0.08984; gnomAD exomes 0.09472; 1000 Genomes Project 0.09665; 1000 Genomes Project 30x 0.10322; gnomAD 0.11683; TOPMed 0.11694; ESP Exome Variant Server 0.13248.
gnomAD v4.1: 156,014 of 1,613,190 alleles (9.7%); highest among the groups gnomAD compares: African/African-American, 20%; 8,396 homozygotes.

Submission:

PreventionGenetics, part of Exact Sciences
Classification: Benign for KCNAB2-related condition. Last evaluated: 2019-12-06. Review status: no assertion criteria provided. Collection method: clinical testing. Allele origin: germline.
Comment: This variant is classified as benign based on ACMG/AMP sequence variant interpretation guidelines (Richards et al. 2015 PMID: 25741868, with internal and published modifications).

NM_001199862.2(KCNAB2):c.354T>C (p.Asp118=)

Gene: KCNAB2 (potassium voltage-gated channel subfamily A regulatory beta subunit 2; plus strand). Cytogenetic location: 1p36.31.
Variant type: single nucleotide variant.
Coding change: c.354T>C on transcript NM_001199862.2 (MANE Select); coding-DNA position 354, T replaced by C.
Protein change: p.Asp118=; no amino-acid change (aspartic acid 118 retained).
Molecular consequence: synonymous variant.
Genome position (GRCh38, 1-based): chr1:6,082,248, T>C. VCF-style: chr1-6082248-T-C. GRCh37 (hg19) VCF-style: chr1-6142308-T-C.
Other names: c.255T>C, p.Asp85= (NM_001199860.2, NM_001199861.2, NM_003636.4); c.54T>C, p.Asp18= (NM_001199863.2); c.213T>C, p.Asp71= (NM_172130.3).
Identifiers: ClinVar variation 3055720 (VCV003055720.2), dbSNP rs2227911, ClinGen allele CA555153.
Genomic context (GRCh38, chr1:6,082,248, plus strand): 5'-GTTTCAGATGGCAGAGCAGCTCATGACCTTGGCCTATGATAATGGCATCAACCTCTTCGA[T>C]ACAGCAGAAGTCTACGCAGCCGGCAAGTACGTGTCTTTTCACACGGGAAAAAGTGGTTCA-3'
Protein context (NP_001186791.1, residues 108-128): LAYDNGINLF[Asp118=]TAEVYAAGKA